The following is an entry in ClinVar:

NM_000440.3(PDE6A):c.1255C>T (p.Leu419Phe)

Gene: PDE6A (phosphodiesterase 6A; minus strand). Cytogenetic location: 5q32.
Variant type: single nucleotide variant.
Coding change: c.1255C>T on transcript NM_000440.3 (MANE Select); coding-DNA position 1255, C replaced by T.
Protein change: p.Leu419Phe; replaces leucine 419 with phenylalanine.
Molecular consequence: missense variant.
Genome position (GRCh38, 1-based): chr5:149,899,383, G>A on the plus strand (C>T on the coding strand, the complement: PDE6A is on the minus strand). VCF-style: chr5-149899383-G-A. GRCh37 (hg19) VCF-style: chr5-149278946-G-A.
Other names: short protein forms L419F.
Identifiers: ClinVar variation 351991 (VCV000351991.11), dbSNP rs141370975, ClinGen allele CA3504751.

ClinVar aggregate classification (germline): Uncertain significance. Review status: criteria provided, multiple submitters, no conflicts (2 of 4 stars). 4 submissions from 4 submitters: Uncertain significance (4). Last evaluated 2024-04-24.

Conditions:
Inborn genetic diseases. Identifiers: MedGen C0950123, MeSH D030342.
Retinitis pigmentosa (RP). Identifiers: Orphanet 791, MedGen C0035334, MeSH D012174, MONDO:0019200, OMIM 268000. Inheritance: Autosomal dominant, autosomal recessive and X linked inheritance.

Allele frequency attached by ClinVar (database versions not stated): ExAC 0.00003; gnomAD exomes 0.00003 and 0.00006; gnomAD 0.00005 and 0.00006; TOPMed 0.00009; ESP Exome Variant Server 0.00031.

Submissions (4):

Blueprint Genetics
Classification: Uncertain significance. Last evaluated: 2024-04-24. Review status: criteria provided, single submitter. Criteria: ACMG Guidelines, 2015. Collection method: clinical testing. Allele origin: germline.

Labcorp Genetics (formerly Invitae), Labcorp
Classification: Uncertain significance. Last evaluated: 2022-07-20. Review status: criteria provided, single submitter. Criteria: Invitae Variant Classification Sherloc (09022015). Collection method: clinical testing. Allele origin: germline.
Comment: This sequence change replaces leucine, which is neutral and non-polar, with phenylalanine, which is neutral and non-polar, at codon 419 of the PDE6A protein (p.Leu419Phe). This variant is present in population databases (rs141370975, gnomAD 0.006%). This variant has not been reported in the literature in individuals affected with PDE6A-related conditions. ClinVar contains an entry for this variant (Variation ID: 351991). Algorithms developed to predict the effect of missense changes on protein structure and function are either unavailable or do not agree on the potential impact of this missense change (SIFT: "Deleterious"; PolyPhen-2: "Probably Damaging"; Align-GVGD: "Class C0"). In summary, the available evidence is currently insufficient to determine the role of this variant in disease. Therefore, it has been classified as a Variant of Uncertain Significance.

Ambry Genetics
Classification: Uncertain significance for Inborn genetic diseases. Last evaluated: 2021-09-16. Review status: criteria provided, single submitter. Criteria: Ambry Variant Classification Scheme 2023. Collection method: clinical testing. Allele origin: germline.

Illumina Laboratory Services, Illumina
Classification: Uncertain significance for Retinitis pigmentosa. Last evaluated: 2018-01-12. Review status: criteria provided, single submitter. Criteria: ICSL Variant Classification Criteria 13 December 2019. Collection method: clinical testing. Allele origin: germline.